The following is an entry in ClinVar:

NM_199420.4(POLQ):c.6623C>G (p.Thr2208Ser)

Gene: POLQ (DNA polymerase theta; minus strand). Cytogenetic location: 3q13.33.
Variant type: single nucleotide variant.
Coding change: c.6623C>G on transcript NM_199420.4 (MANE Select); coding-DNA position 6623, C replaced by G.
Protein change: p.Thr2208Ser; replaces threonine 2208 with serine.
Molecular consequence: missense variant.
Genome position (GRCh38, 1-based): chr3:121,472,085, G>C on the plus strand (C>G on the coding strand, the complement: POLQ is on the minus strand). VCF-style: chr3-121472085-G-C. GRCh37 (hg19) VCF-style: chr3-121190932-G-C.
Other names: short protein forms T2208S.
Identifiers: ClinVar variation 2563757 (VCV002563757.2), dbSNP rs2546773434, ClinGen allele CA354085383.

ClinVar aggregate classification (germline): Uncertain significance (1 of 4 stars; one submission).

Submission:

Ambry Genetics
Classification: Uncertain significance. Last evaluated: 2023-03-15. Review status: criteria provided, single submitter. Criteria: Ambry Variant Classification Scheme 2023. Collection method: clinical testing. Allele origin: germline.
Comment: The p.T2208S variant (also known as c.6623C>G), located in coding exon 22 of the POLQ gene, results from a C to G substitution at nucleotide position 6623. The threonine at codon 2208 is replaced by serine, an amino acid with similar properties. This amino acid position is conserved. In addition, this alteration is predicted to be tolerated by in silico analysis. Since supporting evidence is limited at this time, the clinical significance of this alteration remains unclear.